The following is an entry in ClinVar:

NM_003995.4(NPR2):c.2643+10A>G

Gene: NPR2 (natriuretic peptide receptor 2; plus strand). Cytogenetic location: 9p13.3.
Variant type: single nucleotide variant.
Coding change: c.2643+10A>G on transcript NM_003995.4 (MANE Select); 10 bases into the intron after coding-DNA position 2643, A replaced by G.
Molecular consequence: intron variant.
Genome position (GRCh38, 1-based): chr9:35,807,156, A>G. VCF-style: chr9-35807156-A-G. GRCh37 (hg19) VCF-style: chr9-35807153-A-G.
Other names: c.2652+10A>G (NM_001378923.1).
Identifiers: ClinVar variation 366791 (VCV000366791.15), dbSNP rs200486126, ClinGen allele CA5052011.

ClinVar aggregate classification (germline): Benign/Likely benign. Review status: criteria provided, multiple submitters, no conflicts (2 of 4 stars). 3 submissions from 3 submitters: Benign (1); Likely benign (2). Last evaluated 2025-07-14.

Conditions:
Tall stature-scoliosis-macrodactyly of the great toes syndrome. Also called: Epiphyseal chondrodysplasia, miura type. Identifiers: Orphanet 329191, MedGen C4014690, MONDO:0014401, OMIM 615923.
Acromesomelic dysplasia 1, Maroteaux type (AMD1). Also called: ST. HELENA DYSPLASIA; ACROMESOMELIC DYSPLASIA 1. Identifiers: Orphanet 40, MedGen C1864356, MONDO:0011275, OMIM 602875.

Allele frequency attached by ClinVar (database versions not stated): gnomAD exomes 0.00013 and 0.00038; TOPMed 0.00016; gnomAD 0.00022 and 0.00028; ExAC 0.00034; 1000 Genomes Project 0.00120.
gnomAD v4.1: 129 of 869,936 alleles (0.015%); highest among the groups gnomAD compares: East Asian, 0.65%; no homozygotes.

Submissions (3):

Labcorp Genetics (formerly Invitae), Labcorp
Classification: Benign for Tall stature-scoliosis-macrodactyly of the great toes syndrome; Acromesomelic dysplasia 1, Maroteaux type. Last evaluated: 2025-07-14. Review status: criteria provided, single submitter. Criteria: Invitae Variant Classification Sherloc (09022015). Collection method: clinical testing. Allele origin: germline.

Blueprint Genetics
Classification: Likely benign. Last evaluated: 2024-11-18. Review status: criteria provided, single submitter. Criteria: ACMG Guidelines, 2015. Collection method: clinical testing. Allele origin: germline.

Illumina Laboratory Services, Illumina
Classification: Likely benign for Acromesomelic dysplasia 1, Maroteaux type. Last evaluated: 2018-01-13. Review status: criteria provided, single submitter. Criteria: ICSL Variant Classification Criteria 13 December 2019. Collection method: clinical testing. Allele origin: germline.
Comment: This variant was observed in the ICSL laboratory as part of a predisposition screen in an ostensibly healthy population. It had not been previously curated by ICSL or reported in the Human Gene Mutation Database (HGMD: prior to June 1st, 2018), and was therefore a candidate for classification through an automated scoring system. Utilizing variant allele frequency, disease prevalence and penetrance estimates, and inheritance mode, an automated score was calculated to assess if this variant is too frequent to cause the disease. Based on the score and internal cut-off values, a variant classified as likely benign is not then subjected to further curation. The score for this variant resulted in a classification of likely benign for this disease.